The following is an entry in ClinVar:

ClinVar aggregate classification (germline): Pathogenic/Likely pathogenic. Review status: criteria provided, multiple submitters, no conflicts (2 of 4 stars). 4 submissions from 4 submitters: Pathogenic (1); Likely pathogenic (3). Last evaluated 2026-08-18.

Conditions:
Usher syndrome type 1G. Also called: USHER SYNDROME, TYPE IG, MILD. Identifiers: Orphanet 231169, Orphanet 886, MedGen C1847089, MONDO:0011748, OMIM 606943.
USH1G-related disorder. Also called: USH1G-related condition; USH1G-related disorders.

Submissions (4):

GeneDx
Classification: Likely pathogenic. Last evaluated: 2026-08-18. Review status: criteria provided, single submitter. Criteria: GeneDx Variant Classification Process June 2021. Collection method: clinical testing. Allele origin: germline.
Comment: Frameshift variant predicted to result in protein truncation or nonsense mediated decay in a gene for which loss of function is a known mechanism of disease; Not observed at significant frequency in large population cohorts (gnomAD); This variant is associated with the following publications: (PMID: 31964843)

Labcorp Genetics (formerly Invitae), Labcorp
Classification: Pathogenic. Last evaluated: 2026-01-11. Review status: criteria provided, single submitter. Criteria: Invitae Variant Classification Sherloc (09022015). Collection method: clinical testing. Allele origin: germline.
Comment: This sequence change creates a premature translational stop signal (p.Ser243Profs*114) in the USH1G gene. It is expected to result in an absent or disrupted protein product. Loss-of-function variants in USH1G are known to be pathogenic (PMID: 12588794, 22219650). This variant is present in population databases (rs777222355, gnomAD 0.006%). This variant has not been reported in the literature in individuals affected with USH1G-related conditions. ClinVar contains an entry for this variant (Variation ID: 3582821). For these reasons, this variant has been classified as Pathogenic.

Fulgent Genetics
Classification: Likely pathogenic for Usher syndrome type 1G. Last evaluated: 2024-03-07. Review status: criteria provided, single submitter. Criteria: ACMG Guidelines, 2015. Collection method: clinical testing. Allele origin: germline.

Blueprint Genetics
Classification: Likely pathogenic for USH1G-related disorders. Last evaluated: 2018-07-24. Review status: criteria provided, single submitter. Criteria: ACMG Guidelines, 2015. Collection method: clinical testing. Allele origin: germline. Affected: yes. Observed: 1 variant allele.

Literature cited by the submitters: PubMed 12588794 (cited by Labcorp Genetics (formerly Invitae), Labcorp); PubMed 22219650 (cited by Labcorp Genetics (formerly Invitae), Labcorp).

NM_173477.5(USH1G):c.723_726dup (p.Ser243fs)

Gene: USH1G (USH1 protein network component sans; minus strand). Cytogenetic location: 17q25.1.
Variant type: Duplication.
Coding change: c.723_726dup on transcript NM_173477.5 (MANE Select); coding-DNA positions 723 to 726, 4 bases duplicated (CCGC; older notation c.723_726dupCCGC).
Protein change: p.Ser243fs; shifts the reading frame from serine 243.
Molecular consequence: frameshift variant.
Genome position (GRCh38, 1-based): chr17:74,920,110-74,920,113, GCGG duplicated on the plus strand (CCGC on the coding strand, the reverse complement: USH1G is on the minus strand); duplicating any 4 consecutive bases within chr17:74,920,110-74,920,116 gives the same sequence; the c. name uses the placement nearest the transcript's 3' end. VCF-style (leftmost placement, unchanged base first): chr17-74920109-A-AGCGG. GRCh37 (hg19) VCF-style: chr17-72916204-A-AGCGG.
Other names: c.723_726dup (NM_173477.2); c.414_417dup, p.Ser140fs (NM_001282489.3); short protein forms S140fs, S243fs.
Identifiers: ClinVar variation 3582821 (VCV003582821.4).